The following is an entry in ClinVar:

ClinVar aggregate classification (germline): Pathogenic (1 of 4 stars; one submission).

Conditions:
Deafness-lymphedema-leukemia syndrome. Also called: Emberger syndrome; Lymphedema, primary, with myelodysplasia. Identifiers: Orphanet 3226, MedGen C3279664, MONDO:0013540, OMIM 614038.
GATA2 deficiency with susceptibility to MDS/AML. Identifiers: MedGen CN300066, MONDO:0042982.

Submission:

Molecular Pathology Research Laboratory, SA Pathology
Classification: Pathogenic for GATA2 deficiency with susceptibility to MDS/AML; Deafness-lymphedema-leukemia syndrome. Last evaluated: 2021-07-06. Review status: criteria provided, single submitter. Criteria: ACMG Guidelines, 2015. Collection method: curation. Allele origin: unknown. Inheritance: Autosomal dominant inheritance. Affected: yes. Observed: 1 variant allele.
Comment: PVS1, PS4_Supporting, PM2

Literature cited by the submitters: PubMed 31340620.

NM_032638.5(GATA2):c.1019del (p.Ser340fs)

Gene: GATA2 (GATA binding protein 2; minus strand). Cytogenetic location: 3q21.3.
Variant type: Deletion.
Coding change: c.1019del on transcript NM_032638.5 (MANE Select); coding-DNA position 1019, one base deleted (C; older notation c.1019delC).
Protein change: p.Ser340fs; shifts the reading frame from serine 340.
Molecular consequence: frameshift variant. On other transcripts: intron variant (1).
Genome position (GRCh38, 1-based): chr3:128,481,943, G deleted on the plus strand (C on the coding strand, the reverse complement: GATA2 is on the minus strand). VCF-style (leftmost placement, unchanged base first): chr3-128481942-CG-C. GRCh37 (hg19) VCF-style: chr3-128200785-CG-C.
Other names: c.1019del, p.Ser340fs (NM_001145661.2); c.1018-41del (NM_001145662.1); short protein forms S340fs.
Identifiers: ClinVar variation 1184185 (VCV001184185.1), dbSNP rs2107668869, ClinGen allele CA2499216455.